The following is an entry in ClinVar:

NM_007194.4(CHEK2):c.1335_1336delinsAC (p.Tyr445_Asn446delinsTer)

Gene: CHEK2 (checkpoint kinase 2; minus strand). Cytogenetic location: 22q12.1.
Variant type: Indel.
Coding change: c.1335_1336delinsAC on transcript NM_007194.4 (MANE Select); coding-DNA positions 1335 to 1336, CA replaced by AC.
Protein change: p.Tyr445_Asn446delinsTer.
Molecular consequence: nonsense.
Genome position (GRCh38, 1-based): chr22:28,695,166-28,695,167, TG replaced by GT on the plus strand (CA replaced by AC on the coding strand, the reverse complement: CHEK2 is on the minus strand). VCF-style: chr22-28695166-TG-GT. GRCh37 (hg19) VCF-style: chr22-29091154-TG-GT.
Other names: c.672_673delCAinsAC, p.Tyr224Ter (NM_001257387.3); c.1134_1135delCAinsAC, p.Tyr378Ter (NM_001349956.3); c.1248_1249delCAinsAC, p.Tyr416Ter (NM_145862.3); c.1464_1465delCAinsAC, p.Tyr488Ter (NM_001005735.3); short protein forms Y224*, Y378*, Y416*, Y488*.
Identifiers: ClinVar variation 650575 (VCV000650575.7), dbSNP rs1601719449, ClinGen allele CA915952844.

ClinVar aggregate classification (germline): Pathogenic (1 of 4 stars; one submission).

Conditions:
Familial cancer of breast. Also called: hereditary breast carcinoma; Hereditary breast cancer; BREAST CANCER, FAMILIAL. Identifiers: Orphanet 227535, MedGen C0346153, MONDO:0016419, OMIM 114480. Disease mechanism: loss of function.

Submission:

Labcorp Genetics (formerly Invitae), Labcorp
Classification: Pathogenic for Familial cancer of breast. Last evaluated: 2022-02-25. Review status: criteria provided, single submitter. Criteria: Invitae Variant Classification Sherloc (09022015). Collection method: clinical testing. Allele origin: germline.
Comment: For these reasons, this variant has been classified as Pathogenic. ClinVar contains an entry for this variant (Variation ID: 650575). This sequence change creates a premature translational stop signal (p.Tyr445*) in the CHEK2 gene. It is expected to result in an absent or disrupted protein product. Loss-of-function variants in CHEK2 are known to be pathogenic (PMID: 21876083, 24713400). Information on the frequency of this variant in the gnomAD database is not available, as this variant may be reported differently in the database. This variant has not been reported in the literature in individuals affected with CHEK2-related conditions.

Literature cited by the submitters: PubMed 21876083; PubMed 24713400.